The following is an entry in ClinVar:

NM_004304.5(ALK):c.3631A>C (p.Thr1211Pro)

Gene: ALK (ALK receptor tyrosine kinase; minus strand). Cytogenetic location: 2p23.2.
Variant type: single nucleotide variant.
Coding change: c.3631A>C on transcript NM_004304.5 (MANE Select); coding-DNA position 3631, A replaced by C.
Protein change: p.Thr1211Pro; replaces threonine 1211 with proline.
Molecular consequence: missense variant.
Genome position (GRCh38, 1-based): chr2:29,220,720, T>G on the plus strand (A>C on the coding strand, the complement: ALK is on the minus strand). VCF-style: chr2-29220720-T-G. GRCh37 (hg19) VCF-style: chr2-29443586-T-G.
Other names: c.427A>C, p.Thr143Pro (NM_001353765.2); short protein forms T1211P, T143P.
Identifiers: ClinVar variation 1720766 (VCV001720766.5), dbSNP rs2148166326, ClinGen allele CA346472973.

ClinVar aggregate classification (germline): Uncertain significance (1 of 4 stars; one submission).

Conditions:
Neuroblastoma, susceptibility to, 3. Also called: ALK-Related Neuroblastic Tumor Susceptibility. Identifiers: Orphanet 635, MedGen C2751681, MONDO:0013083, OMIM 613014.

Submission:

Labcorp Genetics (formerly Invitae), Labcorp
Classification: Uncertain significance for Neuroblastoma, susceptibility to, 3. Last evaluated: 2022-10-01. Review status: criteria provided, single submitter. Criteria: Invitae Variant Classification Sherloc (09022015). Collection method: clinical testing. Allele origin: germline.
Comment: In summary, the available evidence is currently insufficient to determine the role of this variant in disease. Therefore, it has been classified as a Variant of Uncertain Significance. Algorithms developed to predict the effect of missense changes on protein structure and function are either unavailable or do not agree on the potential impact of this missense change (SIFT: "Deleterious"; PolyPhen-2: "Benign"; Align-GVGD: "Class C0"). This variant has not been reported in the literature in individuals affected with ALK-related conditions. This variant is not present in population databases (gnomAD no frequency). This sequence change replaces threonine, which is neutral and polar, with proline, which is neutral and non-polar, at codon 1211 of the ALK protein (p.Thr1211Pro).